The following is an entry in ClinVar:

ClinVar aggregate classification (germline): Conflicting classifications of pathogenicity. Review status: criteria provided, conflicting classifications (1 of 4 stars). 9 submissions from 9 submitters: Uncertain significance (7); Likely benign (1). 1 of the submissions does not count toward it. Last evaluated 2025-12-14.

Conditions:
Hereditary cancer-predisposing syndrome. Also called: Neoplastic Syndromes, Hereditary; Hereditary Cancer Syndrome; Tumor predisposition; Hereditary neoplastic syndrome. Identifiers: Orphanet 140162, MedGen C0027672, MeSH D009386, MONDO:0015356.
Familial adenomatous polyposis 2. Also called: MUTYH-associated polyposis; MUTYH Polyposis; FAP type 2; Adenomas, multiple colorectal; COLORECTAL ADENOMATOUS POLYPOSIS, AUTOSOMAL RECESSIVE; ADENOMAS, MULTIPLE COLORECTAL, AUTOSOMAL RECESSIVE. Identifiers: Orphanet 220460, Orphanet 247798, MedGen C3272841, MONDO:0012041, OMIM 608456.

Allele frequency attached by ClinVar (database versions not stated): TOPMed 0.00002.

Submissions (9):

Labcorp Genetics (formerly Invitae), Labcorp
Classification: Uncertain significance for Familial adenomatous polyposis 2. Last evaluated: 2025-12-14. Review status: criteria provided, single submitter. Criteria: Invitae Variant Classification Sherloc (09022015). Collection method: clinical testing. Allele origin: germline.
Comment: This sequence change replaces threonine, which is neutral and polar, with alanine, which is neutral and non-polar, at codon 232 of the MUTYH protein (p.Thr232Ala). This variant is present in population databases (rs587782351, gnomAD 0.006%). This variant has not been reported in the literature in individuals affected with MUTYH-related conditions. ClinVar contains an entry for this variant (Variation ID: 142271). An algorithm developed to predict the effect of missense changes on protein structure and function outputs the following: PolyPhen-2: "Benign". The alanine amino acid residue is found in multiple mammalian species, which suggests that this missense change does not adversely affect protein function. RNA analysis performed to evaluate the impact of this missense change on mRNA splicing indicates it does not significantly alter splicing (internal data). In summary, the available evidence is currently insufficient to determine the role of this variant in disease. Therefore, it has been classified as a Variant of Uncertain Significance.

Ambry Genetics
Classification: Uncertain significance for Hereditary cancer-predisposing syndrome. Last evaluated: 2025-09-29. Review status: criteria provided, single submitter. Criteria: Ambry Variant Classification Scheme 2023. Collection method: clinical testing. Allele origin: germline.
Comment: The p.T232A variant (also known as c.694A>G), located in coding exon 9 of the MUTYH gene, results from an A to G substitution at nucleotide position 694. The threonine at codon 232 is replaced by alanine, an amino acid with similar properties. This amino acid position is not well conserved in available vertebrate species. In addition, this alteration is predicted to be tolerated by in silico analysis. Based on the available evidence, the clinical significance of this variant remains unclear.

Color Diagnostics, LLC DBA Color Health
Classification: Likely benign for Hereditary cancer-predisposing syndrome. Last evaluated: 2025-06-11. Review status: criteria provided, single submitter. Criteria: ACMG Guidelines, 2015. Collection method: clinical testing. Allele origin: germline.

Women's Health and Genetics/Laboratory Corporation of America, LabCorp
Classification: Uncertain significance. Last evaluated: 2024-08-12. Review status: criteria provided, single submitter. Criteria: LabCorp Variant Classification Summary - May 2015. Collection method: clinical testing. Allele origin: germline.

Baylor Genetics
Classification: Uncertain significance for Familial adenomatous polyposis 2. Last evaluated: 2024-03-26. Review status: criteria provided, single submitter. Criteria: ACMG Guidelines, 2015. Collection method: clinical testing. Allele origin: unknown.

All of Us Research Program, National Institutes of Health
Classification: Uncertain significance for Familial adenomatous polyposis 2. Last evaluated: 2023-12-01. Review status: criteria provided, single submitter. Criteria: ACMG Guidelines, 2015. Collection method: clinical testing. Allele origin: germline. Inheritance: Autosomal recessive inheritance. Observed: 5 variant alleles, 5 heterozygotes.
Comment: This missense variant replaces threonine with alanine at codon 232 of the MUTYH protein. Computational prediction suggests that this variant may not impact protein structure and function (internally defined REVEL score threshold <= 0.5, PMID: 27666373). To our knowledge, functional studies have not been reported for this variant. This variant has been identified in 2/250668 chromosomes in the general population by the Genome Aggregation Database (gnomAD). The available evidence is insufficient to determine the role of this variant in disease conclusively. Therefore, this variant is classified as a Variant of Uncertain Significance.

This study involves interpretation of variants in research participants for the purpose of population health screening. Participant phenotype was not available at the time of variant classification. Additional details can be found in publication PMID: 35346344, PMCID: PMC8962531

Mendelics
Classification: Uncertain significance for Familial adenomatous polyposis 2. Last evaluated: 2019-05-28. Review status: criteria provided, single submitter. Criteria: Mendelics Assertion Criteria 2017. Collection method: clinical testing. Allele origin: unknown.

Laboratory for Molecular Medicine, Mass General Brigham Personalized Medicine
Classification: Uncertain significance. Last evaluated: 2016-10-26. Review status: criteria provided, single submitter. Criteria: LMM Criteria. Collection method: clinical testing. Allele origin: germline.
Comment: Variant identified in a genome or exome case(s) and assessed due to predicted null impact of the variant or pathogenic assertions in the literature or databases. Disclaimer: This variant has not undergone full assessment. The following are preliminary notes: Variant not reported in affected patients. MaxMAF of 0.002%. AA not conserved - Ala in 16 species (13 mammals). Reported in ClinVar by Ambry (1 star) as VUS.

Counsyl
Classification: Uncertain significance for Familial adenomatous polyposis 2. Last evaluated: 2018-03-16. Review status: no assertion criteria provided. Collection method: clinical testing. Allele origin: unknown. Not counted in ClinVar's aggregate classification.

Literature cited by the submitters: PubMed 30564557 (cited by Ambry Genetics and All of Us Research Program, National Institutes of Health).

NM_001048174.2(MUTYH):c.610A>G (p.Thr204Ala)

Gene: MUTYH (mutY DNA glycosylase; minus strand). Cytogenetic location: 1p34.1.
Variant type: single nucleotide variant.
Coding change: c.610A>G on transcript NM_001048174.2 (MANE Select); coding-DNA position 610, A replaced by G.
Protein change: p.Thr204Ala; replaces threonine 204 with alanine.
Molecular consequence: missense variant. On other transcripts: non-coding transcript variant (2).
Genome position (GRCh38, 1-based): chr1:45,332,485, T>C on the plus strand (A>G on the coding strand, the complement: MUTYH is on the minus strand). VCF-style: chr1-45332485-T-C. GRCh37 (hg19) VCF-style: chr1-45798157-T-C.
Other names: c.610A>G, p.Thr204Ala (NM_001048171.2, NM_001048173.2, NM_001293195.2); c.613A>G, p.Thr205Ala (NM_001048172.2); c.694A>G, p.Thr232Ala (NM_001128425.2); c.655A>G, p.Thr219Ala (NM_001293190.2); c.643A>G, p.Thr215Ala (NM_001293191.2); c.334A>G, p.Thr112Ala (NM_001293192.2, NM_001293196.2); c.265A>G, p.Thr89Ala (NM_001350650.2, NM_001350651.2); c.685A>G, p.Thr229Ala (NM_012222.3); short protein forms T232A, T218A, T205A, T89A, T229A, T112A, T204A, T219A.
Identifiers: ClinVar variation 142271 (VCV000142271.29), dbSNP rs587782351, ClinGen allele CA014124.
Genomic context (GRCh38, chr1:45,332,485, plus strand): 5'-CAGCACCAATGGCTCGGACACGGCACAGCACCCGTGCTACGTTGCCATCCACCACACCGG[T>C]TGCCTGGCACAGAGGGGCCAAAGAGTTAGCCTGGGCTGGGAGGAAGGAGGCTGGGCACGC-3'
Protein context (NP_001041639.1, residues 194-214): AIASIAFGQA[Thr204Ala]GVVDGNVARV